The following is an entry in ClinVar:

ClinVar aggregate classification (germline): Uncertain significance. Review status: criteria provided, multiple submitters, no conflicts (2 of 4 stars). 2 submissions from 2 submitters: Uncertain significance (2). Last evaluated 2026-06-05.

Conditions:
Hereditary cancer-predisposing syndrome. Also called: Hereditary neoplastic syndrome; Tumor predisposition; Hereditary Cancer Syndrome; Neoplastic Syndromes, Hereditary. Identifiers: Orphanet 140162, MedGen C0027672, MeSH D009386, MONDO:0015356.
Hereditary nonpolyposis colorectal neoplasms. Identifiers: MedGen C0009405, MeSH D003123.

gnomAD v4.1: 1 of 1,600,204 alleles (0.000062%); highest among the groups gnomAD compares: Non-Finnish European, 0.000085%; no homozygotes.

Submissions (2):

Ambry Genetics
Classification: Uncertain significance for Hereditary cancer-predisposing syndrome. Last evaluated: 2026-06-05. Review status: criteria provided, single submitter. Criteria: Ambry Variant Classification Scheme 2023. Collection method: clinical testing. Allele origin: germline.
Comment: The p.D47Y variant (also known as c.139G>T), located in coding exon 1 of the MSH6 gene, results from a G to T substitution at nucleotide position 139. The aspartic acid at codon 47 is replaced by tyrosine, an amino acid with highly dissimilar properties. This amino acid position is not well conserved in available vertebrate species. In addition, the in silico prediction for this alteration is inconclusive. Based on the available evidence, the clinical significance of this variant remains unclear.

Labcorp Genetics (formerly Invitae), Labcorp
Classification: Uncertain significance for Hereditary nonpolyposis colorectal neoplasms. Last evaluated: 2024-10-31. Review status: criteria provided, single submitter. Criteria: Invitae Variant Classification Sherloc (09022015). Collection method: clinical testing. Allele origin: germline.
Comment: This sequence change replaces aspartic acid, which is acidic and polar, with tyrosine, which is neutral and polar, at codon 47 of the MSH6 protein (p.Asp47Tyr). This variant is not present in population databases (gnomAD no frequency). This variant has not been reported in the literature in individuals affected with MSH6-related conditions. Invitae Evidence Modeling of protein sequence and biophysical properties (such as structural, functional, and spatial information, amino acid conservation, physicochemical variation, residue mobility, and thermodynamic stability) indicates that this missense variant is not expected to disrupt MSH6 protein function with a negative predictive value of 95%. In summary, the available evidence is currently insufficient to determine the role of this variant in disease. Therefore, it has been classified as a Variant of Uncertain Significance.

NM_000179.3(MSH6):c.139G>T (p.Asp47Tyr)

Gene: MSH6 (mutS homolog 6; plus strand). Cytogenetic location: 2p16.3.
Variant type: single nucleotide variant.
Coding change: c.139G>T on transcript NM_000179.3 (MANE Select); coding-DNA position 139, G replaced by T.
Protein change: p.Asp47Tyr; replaces aspartic acid 47 with tyrosine.
Molecular consequence: missense variant. On other transcripts: non-coding transcript variant (5), intron variant (5), 5 prime UTR variant (7), synonymous variant (1).
Genome position (GRCh38, 1-based): chr2:47,783,372, G>T. VCF-style: chr2-47783372-G-T. GRCh37 (hg19) VCF-style: chr2-48010511-G-T.
Other names: c.-38+141G>T (NM_001406805.1, NM_001406797.1, NM_001406801.1); c.-69+141G>T (NM_001406806.1); c.-280+141G>T (NM_001406815.1); c.139G>T, p.Asp47Tyr (NM_001406813.1, NM_001406817.1, NM_001407362.1 and 9 more transcripts); c.-856G>T (NM_001406814.1); c.-401G>T (NM_001406816.1); c.-598G>T (NM_001281493.2, NM_001406811.1); c.-190G>T (NM_001406799.1); and 3 more; short protein forms D47Y.
Identifiers: ClinVar variation 3633905 (VCV003633905.3).